The following is an entry in ClinVar:

ClinVar aggregate classification (germline): Uncertain significance (1 of 4 stars; one submission).

gnomAD v4.1: 1 of 1,613,350 alleles (0.000062%); highest among the groups gnomAD compares: Non-Finnish European, 0.000085%; no homozygotes.

Submission:

Labcorp Genetics (formerly Invitae), Labcorp
Classification: Uncertain significance. Last evaluated: 2023-08-17. Review status: criteria provided, single submitter. Criteria: Invitae Variant Classification Sherloc (09022015). Collection method: clinical testing. Allele origin: germline.
Comment: This sequence change replaces alanine, which is neutral and non-polar, with glutamic acid, which is acidic and polar, at codon 302 of the ATP8A2 protein (p.Ala302Glu). This variant is present in population databases (rs546393054, gnomAD 0.0009%). This variant has not been reported in the literature in individuals affected with ATP8A2-related conditions. Advanced modeling of protein sequence and biophysical properties (such as structural, functional, and spatial information, amino acid conservation, physicochemical variation, residue mobility, and thermodynamic stability) performed at Invitae indicates that this missense variant is not expected to disrupt ATP8A2 protein function. In summary, the available evidence is currently insufficient to determine the role of this variant in disease. Therefore, it has been classified as a Variant of Uncertain Significance.

NM_016529.6(ATP8A2):c.905C>A (p.Ala302Glu)

Gene: ATP8A2 (ATPase phospholipid transporting 8A2). Cytogenetic location: 13q12.13.
Variant type: single nucleotide variant.
Coding change: c.905C>A on transcript NM_016529.6 (MANE Select); coding-DNA position 905, C replaced by A.
Protein change: p.Ala302Glu; replaces alanine 302 with glutamic acid.
Molecular consequence: missense variant.
Genome position (GRCh38, 1-based): chr13:25,551,351, C>A. VCF-style: chr13-25551351-C-A. GRCh37 (hg19) VCF-style: chr13-26125489-C-A.
Other names: c.785C>A, p.Ala262Glu (NM_001313741.1); c.905C>A, p.Ala302Glu (NM_001411005.1, NM_001411006.1); short protein forms A262E, A302E.
Identifiers: ClinVar variation 2721753 (VCV002721753.3), dbSNP rs546393054, ClinGen allele CA6922749.